The following is an entry in ClinVar:

NM_005045.4(RELN):c.1447A>G (p.Ile483Val)

Gene: RELN (reelin; minus strand). Cytogenetic location: 7q22.1.
Variant type: single nucleotide variant.
Coding change: c.1447A>G on transcript NM_005045.4 (MANE Select); coding-DNA position 1447, A replaced by G.
Protein change: p.Ile483Val; replaces isoleucine 483 with valine.
Molecular consequence: missense variant.
Genome position (GRCh38, 1-based): chr7:103,654,200, T>C on the plus strand (A>G on the coding strand, the complement: RELN is on the minus strand). VCF-style: chr7-103654200-T-C. GRCh37 (hg19) VCF-style: chr7-103294647-T-C.
Other names: c.1447A>G, p.Ile483Val (NM_173054.3); short protein forms I483V.
Identifiers: ClinVar variation 3754851 (VCV003754851.2).

ClinVar aggregate classification (germline): Uncertain significance (1 of 4 stars; one submission).

Conditions:
Norman-Roberts syndrome (LIS2). Also called: Lissencephaly 2 (Norman-Roberts type). Identifiers: Orphanet 89844, MedGen C0796089, MONDO:0009760, OMIM 257320.
Familial temporal lobe epilepsy 7. Identifiers: Orphanet 101046, MedGen C4225327, MONDO:0014639, OMIM 616436.

Submission:

Labcorp Genetics (formerly Invitae), Labcorp
Classification: Uncertain significance for Familial temporal lobe epilepsy 7; Norman-Roberts syndrome. Last evaluated: 2024-02-22. Review status: criteria provided, single submitter. Criteria: Invitae Variant Classification Sherloc (09022015). Collection method: clinical testing. Allele origin: germline.
Comment: This sequence change replaces isoleucine, which is neutral and non-polar, with valine, which is neutral and non-polar, at codon 483 of the RELN protein (p.Ile483Val). This variant is not present in population databases (gnomAD no frequency). This variant has not been reported in the literature in individuals affected with RELN-related conditions. Advanced modeling of protein sequence and biophysical properties (such as structural, functional, and spatial information, amino acid conservation, physicochemical variation, residue mobility, and thermodynamic stability) performed at Invitae indicates that this missense variant is not expected to disrupt RELN protein function with a negative predictive value of 80%. In summary, the available evidence is currently insufficient to determine the role of this variant in disease. Therefore, it has been classified as a Variant of Uncertain Significance.